The following is an entry in ClinVar:

ClinVar aggregate classification (germline): Uncertain significance (1 of 4 stars; one submission).

gnomAD v4.1: 15 of 1,613,980 alleles (0.00093%); highest among the groups gnomAD compares: Admixed American, 0.017%; no homozygotes.

Submission:

Labcorp Genetics (formerly Invitae), Labcorp
Classification: Uncertain significance. Last evaluated: 2026-01-12. Review status: criteria provided, single submitter. Criteria: Invitae Variant Classification Sherloc (09022015). Collection method: clinical testing. Allele origin: germline.
Comment: This sequence change replaces arginine, which is basic and polar, with histidine, which is basic and polar, at codon 2421 of the SRCAP protein (p.Arg2421His). This variant is present in population databases (rs759306133, gnomAD 0.03%). This variant has not been reported in the literature in individuals affected with SRCAP-related conditions. Invitae Evidence Modeling of protein sequence and biophysical properties (such as structural, functional, and spatial information, amino acid conservation, physicochemical variation, residue mobility, and thermodynamic stability) indicates that this missense variant is not expected to disrupt SRCAP protein function with a negative predictive value of 80%. In summary, the available evidence is currently insufficient to determine the role of this variant in disease. Therefore, it has been classified as a Variant of Uncertain Significance.

NM_006662.3(SRCAP):c.7262G>A (p.Arg2421His)

Gene: SRCAP (Snf2 related CREBBP activator protein; plus strand). Cytogenetic location: 16p11.2.
Variant type: single nucleotide variant.
Coding change: c.7262G>A on transcript NM_006662.3 (MANE Select); coding-DNA position 7262, G replaced by A.
Protein change: p.Arg2421His; replaces arginine 2421 with histidine.
Molecular consequence: missense variant.
Genome position (GRCh38, 1-based): chr16:30,737,302, G>A. VCF-style: chr16-30737302-G-A. GRCh37 (hg19) VCF-style: chr16-30748623-G-A.
Other names: short protein forms R2421H.
Identifiers: ClinVar variation 4798394 (VCV004798394.1).